The following is an entry in ClinVar:

NM_020750.3(XPO5):c.1290G>A (p.Glu430=)

Genes: POLR1C (RNA polymerase I and III subunit C; plus strand), XPO5 (exportin 5; minus strand). Cytogenetic location: 6p21.1.
Variant type: single nucleotide variant.
Coding change: c.1290G>A on transcript NM_020750.3 (MANE Select); coding-DNA position 1290, G replaced by A.
Protein change: p.Glu430=; no amino-acid change (glutamic acid 430 retained).
Molecular consequence: synonymous variant. On other transcripts: non-coding transcript variant (1), intron variant (1).
Genome position (GRCh38, 1-based): chr6:43,558,523, C>T on the plus strand (G>A on the coding strand, the complement: XPO5 is on the minus strand). VCF-style: chr6-43558523-C-T. GRCh37 (hg19) VCF-style: chr6-43526260-C-T.
Other names: c.*43-2877C>T (NM_001363658.2).
Identifiers: ClinVar variation 2656607 (VCV002656607.24), dbSNP rs753439099, ClinGen allele CA3826465.
Genomic context (GRCh38, chr6:43,558,523, plus strand): 5'-GAGACTGTTGAGAGAAATCCAAGGCCAACATCACTTACAGTTGAAGAAAGCATTGAAGTC[C>T]TCATCGCTATCAAAATCAAACCGAGAATATTCACAGCTAGGGCTGTCTGTTTTAGAAGGA-3'
Protein context (NP_065801.1, residues 420-440): EYSRFDFDSD[Glu430=]DFNAFFNSSR

ClinVar aggregate classification (germline): Likely benign. Review status: criteria provided, multiple submitters, no conflicts (2 of 4 stars). 2 submissions from 2 submitters: Likely benign (2). Last evaluated 2024-12-13.

Allele frequency attached by ClinVar (database versions not stated): TOPMed 0.00007; gnomAD exomes 0.00004; ExAC 0.00005; gnomAD 0.00006.
gnomAD v4.1: 60 of 1,603,654 alleles (0.0037%); highest among the groups gnomAD compares: Non-Finnish European, 0.004%; no homozygotes.

Submissions (2):

Labcorp Genetics (formerly Invitae), Labcorp
Classification: Likely benign. Last evaluated: 2024-12-13. Review status: criteria provided, single submitter. Criteria: Invitae Variant Classification Sherloc (09022015). Collection method: clinical testing. Allele origin: germline.

CeGaT Center for Human Genetics Tuebingen
Classification: Likely benign. Last evaluated: 2022-10-01. Review status: criteria provided, single submitter. Criteria: CeGaT Center For Human Genetics Tuebingen Variant Classification Criteria Version 2. Collection method: clinical testing. Allele origin: germline. Affected: yes. Observed: 2 variant alleles.
Comment: XPO5: BP4, BP7